The following is an entry in ClinVar:

NM_170754.4(TNS2):c.2276A>T (p.Lys759Met)

Gene: TNS2 (tensin 2; plus strand). Cytogenetic location: 12q13.13.
Variant type: single nucleotide variant.
Coding change: c.2276A>T on transcript NM_170754.4 (MANE Select); coding-DNA position 2276, A replaced by T.
Protein change: p.Lys759Met; replaces lysine 759 with methionine.
Molecular consequence: missense variant.
Genome position (GRCh38, 1-based): chr12:53,059,917, A>T. VCF-style: chr12-53059917-A-T. GRCh37 (hg19) VCF-style: chr12-53453701-A-T.
Other names: c.2276A>T, p.Lys759Met (NM_001416202.1); c.2234A>T, p.Lys745Met (NM_001416203.1); c.2303A>T, p.Lys768Met (NM_001416204.1); c.2207A>T, p.Lys736Met (NM_015319.3); c.1904A>T, p.Lys635Met (NM_198316.2); short protein forms K736M, K635M, K768M, K745M, K759M.
Identifiers: ClinVar variation 2791326 (VCV002791326.3), dbSNP rs2539648879, ClinGen allele CA385013073.

ClinVar aggregate classification (germline): Uncertain significance (1 of 4 stars; one submission).

Allele frequency attached by ClinVar (database versions not stated): gnomAD exomes below 0.00001.
gnomAD v4.1: 1 of 1,611,466 alleles (0.000062%); no homozygotes.

Submission:

Labcorp Genetics (formerly Invitae), Labcorp
Classification: Uncertain significance. Last evaluated: 2023-01-10. Review status: criteria provided, single submitter. Criteria: Invitae Variant Classification Sherloc (09022015). Collection method: clinical testing. Allele origin: germline.
Comment: In summary, the available evidence is currently insufficient to determine the role of this variant in disease. Therefore, it has been classified as a Variant of Uncertain Significance. Algorithms developed to predict the effect of missense changes on protein structure and function are either unavailable or do not agree on the potential impact of this missense change (SIFT: "Deleterious"; PolyPhen-2: "Probably Damaging"; Align-GVGD: "Class C0"). This variant has not been reported in the literature in individuals affected with TNS2-related conditions. This variant is not present in population databases (gnomAD no frequency). This sequence change replaces lysine, which is basic and polar, with methionine, which is neutral and non-polar, at codon 769 of the TNS2 protein (p.Lys769Met).